The following is an entry in ClinVar:

NM_025114.4(CEP290):c.7161T>C (p.Asp2387=)

Gene: CEP290 (centrosomal protein 290; minus strand). Cytogenetic location: 12q21.32.
Variant type: single nucleotide variant.
Coding change: c.7161T>C on transcript NM_025114.4 (MANE Select); coding-DNA position 7161, T replaced by C.
Protein change: p.Asp2387=; no amino-acid change (aspartic acid 2387 retained).
Molecular consequence: synonymous variant.
Genome position (GRCh38, 1-based): chr12:88,050,402, A>G on the plus strand (T>C on the coding strand, the complement: CEP290 is on the minus strand). VCF-style: chr12-88050402-A-G. GRCh37 (hg19) VCF-style: chr12-88444179-A-G.
Other names: c.7161T>C (NM_025114.3).
Identifiers: ClinVar variation 1355815 (VCV001355815.9), dbSNP rs1419407850, ClinGen allele CA481052999.
Genomic context (GRCh38, chr12:88,050,402, plus strand): 5'-ATTAAATATTACCTTCAAATGCTGCTTTTCTAGATCTGACATTTTGAGCTGTGTCTCTAG[A>G]TCTTTTATTTTTTCCTTTAGTTGATCAGCATCTGTTGAAAAAGTCATACAAATTAGACTC-3'
Protein context (NP_079390.3, residues 2377-2397): DADQLKEKIK[Asp2387=]LETQLKMSDL

ClinVar aggregate classification (germline): Likely benign. Review status: criteria provided, multiple submitters, no conflicts (2 of 4 stars). 2 submissions from 2 submitters: Likely benign (2). Last evaluated 2025-02-05.

Conditions:
Joubert syndrome. Also called: Familial aplasia of the vermis; JOUBERT-BOLTSHAUSER SYNDROME. Identifiers: Orphanet 475, MedGen C5979921, MONDO:0018772.
Nephronophthisis. Also called: Juvenile Nephronophthisis. Identifiers: Orphanet 655, MedGen C0687120, MONDO:0019005, HP:0000090.
Meckel-Gruber syndrome. Also called: Dysencephalia splachnocystica; GRUBER SYNDROME; DYSENCEPHALIA SPLANCHNOCYSTICA. Identifiers: Orphanet 564, MedGen C0265215, MONDO:0018921.
CEP290-related disorder. Also called: CEP290-related condition; CEP290-related disorders. Identifiers: MedGen CN239314.

Allele frequency attached by ClinVar (database versions not stated): gnomAD exomes 0.00001; TOPMed 0.00001.
gnomAD v4.1: 8 of 1,563,876 alleles (0.00051%); highest among the groups gnomAD compares: East Asian, 0.0023%; no homozygotes.

Submissions (2):

PreventionGenetics, part of Exact Sciences
Classification: Likely benign for CEP290-related condition. Last evaluated: 2025-02-05. Review status: criteria provided, single submitter. Criteria: ACMG Guidelines, 2015. Collection method: clinical testing. Allele origin: germline.
Comment: This variant is classified as likely benign based on ACMG/AMP sequence variant interpretation guidelines (Richards et al. 2015 PMID: 25741868, with internal and published modifications).

Labcorp Genetics (formerly Invitae), Labcorp
Classification: Likely benign for Joubert syndrome; Meckel-Gruber syndrome; Nephronophthisis. Last evaluated: 2023-12-14. Review status: criteria provided, single submitter. Criteria: Invitae Variant Classification Sherloc (09022015). Collection method: clinical testing. Allele origin: germline.